The following is an entry in ClinVar:

ClinVar aggregate classification (germline): Uncertain significance (1 of 4 stars; one submission).

Submission:

Mayo Clinic Laboratories, Mayo Clinic
Classification: Uncertain significance. Last evaluated: 2023-10-04. Review status: criteria provided, single submitter. Criteria: ACMG Guidelines, 2015. Collection method: clinical testing. Allele origin: germline. Observed: 1 variant allele.
Comment: BP4, PM2_moderate

NM_018979.4(WNK1):c.2264T>C (p.Val755Ala)

Gene: WNK1 (WNK lysine deficient protein kinase 1; plus strand). Cytogenetic location: 12p13.33.
Variant type: single nucleotide variant.
Coding change: c.2264T>C on transcript NM_018979.4 (MANE Select); coding-DNA position 2264, T replaced by C.
Protein change: p.Val755Ala; replaces valine 755 with alanine.
Molecular consequence: missense variant.
Genome position (GRCh38, 1-based): chr12:878,252, T>C. VCF-style: chr12-878252-T-C. GRCh37 (hg19) VCF-style: chr12-987418-T-C.
Other names: p.Val1253Ala; c.3503T>C, p.Val1168Ala (NM_001184985.2); c.2261T>C, p.Val754Ala (NM_014823.3); c.3758T>C, p.Val1253Ala (NM_213655.5); short protein forms V1168A, V1253A, V754A, V755A.
Identifiers: ClinVar variation 3380059 (VCV003380059.1).